The following is an entry in ClinVar:

NM_001127644.2(GABRA1):c.269A>G (p.Asp90Gly)

Gene: GABRA1 (gamma-aminobutyric acid type A receptor subunit alpha1; plus strand). Cytogenetic location: 5q34.
Variant type: single nucleotide variant.
Coding change: c.269A>G on transcript NM_001127644.2 (MANE Select); coding-DNA position 269, A replaced by G.
Protein change: p.Asp90Gly; replaces aspartic acid 90 with glycine.
Molecular consequence: missense variant.
Genome position (GRCh38, 1-based): chr5:161,873,130, A>G. VCF-style: chr5-161873130-A-G. GRCh37 (hg19) VCF-style: chr5-161300136-A-G.
Other names: c.269A>G, p.Asp90Gly (NM_000806.5, NM_001127643.2, NM_001127645.2 and 1 more transcripts); short protein forms D90G.
Identifiers: ClinVar variation 1978165 (VCV001978165.5), dbSNP rs2532239106, ClinGen allele CA362178685.

ClinVar aggregate classification (germline): Uncertain significance (1 of 4 stars; one submission).

Conditions:
Epilepsy, childhood absence 4 (ECA4). Also called: EPILEPSY, CHILDHOOD ABSENCE, SUSCEPTIBILITY TO, 4. Identifiers: Orphanet 307, MedGen C1970160.
Idiopathic generalized epilepsy. Also called: EIG; Generalised epilepsy. Identifiers: MedGen C0270850, MONDO:0005579, OMIM 600669.
Epilepsy, idiopathic generalized, susceptibility to, 13. Also called: EPILEPSY, JUVENILE MYOCLONIC, SUSCEPTIBILITY TO, 5. Identifiers: Orphanet 307, Orphanet 64280, MedGen C4013473, MONDO:0012627, OMIM 611136.

Submission:

Labcorp Genetics (formerly Invitae), Labcorp
Classification: Uncertain significance for Epilepsy, childhood absence 4; Epilepsy, idiopathic generalized, susceptibility to, 13; Idiopathic generalized epilepsy. Last evaluated: 2022-07-09. Review status: criteria provided, single submitter. Criteria: Invitae Variant Classification Sherloc (09022015). Collection method: clinical testing. Allele origin: germline.
Comment: In summary, the available evidence is currently insufficient to determine the role of this variant in disease. Therefore, it has been classified as a Variant of Uncertain Significance. Algorithms developed to predict the effect of missense changes on protein structure and function (SIFT, PolyPhen-2, Align-GVGD) all suggest that this variant is likely to be disruptive. This missense change has been observed in individual(s) with clinical features of GABRA1-related conditions (Invitae). This variant is not present in population databases (gnomAD no frequency). This sequence change replaces aspartic acid, which is acidic and polar, with glycine, which is neutral and non-polar, at codon 90 of the GABRA1 protein (p.Asp90Gly).